The following is an entry in ClinVar:

ClinVar aggregate classification (germline): Pathogenic (1 of 4 stars; one submission).

Conditions:
Carnitine palmitoyl transferase 1A deficiency. Also called: Carnitine palmitoyltransferase 1A deficiency; CPT deficiency, hepatic, type IA; Carnitine palmitoyltransferase type I deficiency; CPT I DEFICIENCY; CPT DEFICIENCY, HEPATIC, TYPE I. Identifiers: Orphanet 156, MedGen C1829703, MONDO:0009705, OMIM 255120.

Submission:

Labcorp Genetics (formerly Invitae), Labcorp
Classification: Pathogenic for Carnitine palmitoyl transferase 1A deficiency. Last evaluated: 2022-04-28. Review status: criteria provided, single submitter. Criteria: Invitae Variant Classification Sherloc (09022015). Collection method: clinical testing. Allele origin: germline.
Comment: This variant is a gross deletion of the genomic region encompassing exon(s) 17-18 of the CPT1A gene. This variant would be expected to be in-frame, preserving the integrity of the reading frame. This variant has not been reported in the literature in individuals affected with CPT1A-related conditions. This variant disrupts a region of the CPT1A protein in which other variant(s) (p.Gly710Glu) have been determined to be pathogenic (PMID: 11350182, 11350183). This suggests that this is a clinically significant region of the protein, and that variants that disrupt it are likely to be disease-causing. For these reasons, this variant has been classified as Pathogenic.

Literature cited by the submitters: PubMed 11350182; PubMed 11350183.

NC_000011.9:g.(?_68527017)_(68527826_?)del

Gene: CPT1A (carnitine palmitoyltransferase 1A; minus strand). Cytogenetic location: 11q13.3.
Variant type: Deletion.
Identifiers: ClinVar variation 2424293 (VCV002424293.4).